The following is an entry in ClinVar:

NM_020041.3(SLC2A9):c.123T>C (p.Ser41=)

Genes: SLC2A9 (solute carrier family 2 member 9; minus strand), SLC2A9-AS3 (SLC2A9 antisense RNA 3; plus strand). Cytogenetic location: 4p16.1.
Variant type: single nucleotide variant.
Coding change: c.123T>C on transcript NM_020041.3 (MANE Select); coding-DNA position 123, T replaced by C.
Protein change: p.Ser41=; no amino-acid change (serine 41 retained).
Molecular consequence: synonymous variant. On other transcripts: intron variant (1).
Genome position (GRCh38, 1-based): chr4:10,021,307, A>G on the plus strand (T>C on the coding strand, the complement: SLC2A9 is on the minus strand). VCF-style: chr4-10021307-A-G. GRCh37 (hg19) VCF-style: chr4-10022931-A-G.
Other names: c.64-2234T>C (NM_001001290.2).
Identifiers: ClinVar variation 725274 (VCV000725274.16), dbSNP rs112581525, ClinGen allele CA2857346.

ClinVar aggregate classification (germline): Benign. Review status: criteria provided, multiple submitters, no conflicts (2 of 4 stars). 5 submissions from 5 submitters: Benign (4). 1 of the submissions does not count toward it. Last evaluated 2025-10-06.

Conditions:
Hypouricemia, renal, 2. Also called: HYPOURICEMIA, RENAL, 2, AUTOSOMAL DOMINANT; HYPOURICEMIA, RENAL, 2, AUTOSOMAL RECESSIVE. Identifiers: MedGen C2677549, MONDO:0012793, OMIM 612076.
SLC2A9-related disorder. Also called: SLC2A9-related condition.

Allele frequency attached by ClinVar (database versions not stated): gnomAD exomes 0.00035 and 0.00073; ExAC 0.00093; gnomAD 0.00285 and 0.00304; TOPMed 0.00326; ESP Exome Variant Server 0.00338; 1000 Genomes Project 30x 0.00422; 1000 Genomes Project 0.00439.
gnomAD v4.1: 991 of 1,613,372 alleles (0.061%); highest among the groups gnomAD compares: African/African-American, 1%; 3 homozygotes.

Submissions (5):

Labcorp Genetics (formerly Invitae), Labcorp
Classification: Benign. Last evaluated: 2025-10-06. Review status: criteria provided, single submitter. Criteria: Invitae Variant Classification Sherloc (09022015). Collection method: clinical testing. Allele origin: germline.

Fulgent Genetics
Classification: Benign for Hypouricemia, renal, 2. Last evaluated: 2021-07-26. Review status: criteria provided, single submitter. Criteria: ACMG Guidelines, 2015. Collection method: clinical testing. Allele origin: unknown.

Illumina Laboratory Services, Illumina
Classification: Benign for Hypouricemia, renal, 2. Last evaluated: 2018-01-12. Review status: criteria provided, single submitter. Criteria: ICSL Variant Classification Criteria 13 December 2019. Collection method: clinical testing. Allele origin: germline.
Comment: This variant was observed in the ICSL laboratory as part of a predisposition screen in an ostensibly healthy population. It had not been previously curated by ICSL or reported in the Human Gene Mutation Database (HGMD: prior to June 1st, 2018), and was therefore a candidate for classification through an automated scoring system. Utilizing variant allele frequency, disease prevalence and penetrance estimates, and inheritance mode, an automated score was calculated to assess if this variant is too frequent to cause the disease. Based on the score and internal cut-off values, a variant classified as benign is not then subjected to further curation. The score for this variant resulted in a classification of benign for this disease.

Breakthrough Genomics
Classification: Benign. Review status: criteria provided, single submitter. Criteria: ACMG Guidelines, 2015. Collection method: not provided. Allele origin: germline. Inheritance: Autosomal dominant inheritance. Affected: yes.

PreventionGenetics, part of Exact Sciences
Classification: Benign for SLC2A9-related condition. Last evaluated: 2019-07-10. Review status: no assertion criteria provided. Collection method: clinical testing. Allele origin: germline. Not counted in ClinVar's aggregate classification.
Comment: This variant is classified as benign based on ACMG/AMP sequence variant interpretation guidelines (Richards et al. 2015 PMID: 25741868, with internal and published modifications).